The following is an entry in ClinVar:

ClinVar aggregate classification (germline): Uncertain significance (1 of 4 stars; one submission).

Conditions:
Pseudohypoparathyroidism type I A (PHP1A). Also called: PHP IA; Pseudohypoparathyroidism type 1A; ALBRIGHT HEREDITARY OSTEODYSTROPHY WITH MULTIPLE HORMONE RESISTANCE; Pseudohypoparathyroidism Type IA; Pseudohypoparathyroidism Ia (PHP-Ia). Identifiers: Orphanet 79443, MedGen C3494506, MONDO:0007078, OMIM 103580.

Submission:

Victorian Clinical Genetics Services, Murdoch Childrens Research Institute
Classification: Uncertain significance for Pseudohypoparathyroidism type I A. Last evaluated: 2024-09-23. Review status: criteria provided, single submitter. Criteria: ACMG Guidelines, 2015. Collection method: clinical testing. Allele origin: germline. Affected: yes.
Comment: Based on the classification scheme VCGS_Germline_v1.3.4, this variant is classified as VUS-3A. Following criteria are met: 0103 - Loss of function and gain of function are known mechanisms of disease in this gene. Loss-of-function has been associated with the hypoparathyroidism phenotypes (PMID: 10980525), while gain-of-function has been reported for somatic variants in cancers (PMID: 11588148). (I) 0107 - This gene is associated with autosomal dominant disease. (I) 0113 - This gene is known to be imprinted (OMIM; PMID: 10980525). (I) 0115 - Variants in this gene are known to have variable expressivity. Although some probands diagnosed with a disorder of GNAS inactivation have an affected parent, the family history may appear to be negative because of failure to recognize the disorder in other family members (GeneReviews). (I) 0200 - Variant is predicted to result in a missense amino acid change from glutamic acid to alanine. (I) 0219 - This variant is non-coding in an alternative transcript. It is coding in transcripts that encode the G-alpha domain which contains a cluster of pathogenic variants commonly associated with PhP-Ia, Ic, PPHP and POH/OC (UCSC, DECIPHER, PMID: 25851935). Of the transcripts in which it is coding, the NM_000516, known as Gs alpha, is biallelically expressed, except tissues such as thyroid and pituitary glands in which the maternal allele is expressed (NCBI, UCSC). In addition, it is also coding in NM_001077488, which is biallelically expressed, and in NM_080425, which is paternally expressed (NCBI, UCSC). (I) 0251 - This variant is heterozygous. (I) 0301 - Variant is absent from gnomAD (both v2 and v3). (SP) 0501 - Missense variant consistently predicted to be damaging by multiple in silico tools or highly conserved with a major amino acid change. (SP) 0601 - Variant is located in the well-established functional G-alpha domain (NCBI, DECIPHER). This residue is annotated as part of the conserved Walker A motif as well as of the GoLoco binding site motif (NCBI). (SP) 0705 - No comparable missense variants have previous evidence for pathogenicity. (I) 0807 - This variant has no previous evidence of pathogenicity. (I) 0906 - Segregation evidence for this variant is inconclusive. Some unaffected relatives were found to have the variant; however, there is high variable expressivity (PMIDs: 11784876, 29072892). Three other heterozygous relatives have features of GNAS-related disorders. 1007 - No published functional evidence has been identified for this variant. (I) Legend: (SP) - Supporting pathogenic, (I) - Information, (SB) - Supporting benign

Literature cited by the submitters: PubMed 10980525; PubMed 11588148; PubMed 11784876; PubMed 25851935; PubMed 29072892.

NM_000516.7(GNAS):c.149A>C (p.Glu50Ala)

Gene: GNAS (GNAS complex locus; plus strand). Cytogenetic location: 20q13.32.
Variant type: single nucleotide variant.
Coding change: c.149A>C on transcript NM_000516.7 (MANE Select); coding-DNA position 149, A replaced by C.
Protein change: p.Glu50Ala; replaces glutamic acid 50 with alanine.
Molecular consequence: missense variant. On other transcripts: 3 prime UTR variant (3), 5 prime UTR variant (2), non-coding transcript variant (2).
Genome position (GRCh38, 1-based): chr20:58,895,621, A>C. VCF-style: chr20-58895621-A-C. GRCh37 (hg19) VCF-style: chr20-57470676-A-C.
Other names: c.149A>C, p.Glu50Ala (NM_001077488.5, NM_001077489.4, NM_001309842.2 and 1 more transcripts); c.*10A>C (NM_001077490.3); c.-29A>C (NM_001309840.2, NM_001309861.2); c.*168A>C (NM_001309883.1); c.53A>C, p.Glu18Ala (NM_001410912.1); c.2078A>C, p.Glu693Ala (NM_001410913.1, NM_080425.4); c.*52A>C (NM_016592.5); short protein forms E18A, E50A, E693A.
Identifiers: ClinVar variation 3376883 (VCV003376883.1).
Genomic context (GRCh38, chr20:58,895,621, plus strand): 5'-AAAGTGTTAAAATGCCTCCTTCATAACCTGAGACTTACTTTCATTTTCTAGGTGCTGGAG[A>C]ATCTGGTAAAAGCACCATTGTGAAGCAGATGAGGATCCTGCATGTTAATGGGTTTAATGG-3'
Protein context (NP_000507.1, residues 40-60): THRLLLLGAG[Glu50Ala]SGKSTIVKQM